The following is an entry in ClinVar:

ClinVar aggregate classification (germline): Likely benign (0 of 4 stars; one submission).

Conditions:
ANKFY1-related disorder. Also called: ANKFY1-related condition.

Allele frequency attached by ClinVar (database versions not stated): gnomAD exomes 0.00006; ExAC 0.00016; 1000 Genomes Project 0.00060; gnomAD 0.00064; TOPMed 0.00067; 1000 Genomes Project 30x 0.00078; ESP Exome Variant Server 0.00082.
gnomAD v4.1: 213 of 1,614,116 alleles (0.013%); highest among the groups gnomAD compares: African/African-American, 0.24%; no homozygotes.

Submission:

PreventionGenetics, part of Exact Sciences
Classification: Likely benign for ANKFY1-related condition. Last evaluated: 2020-01-20. Review status: no assertion criteria provided. Collection method: clinical testing. Allele origin: germline.
Comment: This variant is classified as likely benign based on ACMG/AMP sequence variant interpretation guidelines (Richards et al. 2015 PMID: 25741868, with internal and published modifications).

NM_001330063.2(ANKFY1):c.300C>T (p.Ser100=)

Gene: ANKFY1 (ankyrin repeat and FYVE domain containing 1; minus strand). Cytogenetic location: 17p13.2.
Variant type: single nucleotide variant.
Coding change: c.300C>T on transcript NM_001330063.2 (MANE Select); coding-DNA position 300, C replaced by T.
Protein change: p.Ser100=; no amino-acid change (serine 100 retained).
Molecular consequence: synonymous variant.
Genome position (GRCh38, 1-based): chr17:4,235,794, G>A on the plus strand (C>T on the coding strand, the complement: ANKFY1 is on the minus strand). VCF-style: chr17-4235794-G-A. GRCh37 (hg19) VCF-style: chr17-4139089-G-A.
Other names: c.426C>T, p.Ser142= (NM_001257999.3); c.300C>T, p.Ser100= (NM_016376.5).
Identifiers: ClinVar variation 3051966 (VCV003051966.2), dbSNP rs372632724, ClinGen allele CA8301787.